The following is an entry in ClinVar:

ClinVar aggregate classification (germline): Pathogenic (1 of 4 stars; one submission).

Conditions:
Aortic valve disease 2 (AOVD2). Identifiers: MedGen C3542024, MONDO:0013902, OMIM 614823.

Submission:

Labcorp Genetics (formerly Invitae), Labcorp
Classification: Pathogenic for Aortic valve disease 2. Last evaluated: 2017-10-11. Review status: criteria provided, single submitter. Criteria: Invitae Variant Classification Sherloc (09022015). Collection method: clinical testing. Allele origin: germline.
Comment: For these reasons, this variant has been classified as Pathogenic. Loss-of-function variants in TBX5 are known to be pathogenic (PMID: 16183809, 16917909). This variant has not been reported in the literature in individuals with TBX5-related disease. This variant is not present in population databases (ExAC no frequency). This sequence change creates a premature translational stop signal (p.Gly145Argfs*38) in the TBX5 gene. It is expected to result in an absent or disrupted protein product.

Literature cited by the submitters: PubMed 16183809; PubMed 16917909.

NM_181486.4(TBX5):c.432dup (p.Gly145fs)

Gene: TBX5 (T-box transcription factor 5; minus strand). Cytogenetic location: 12q24.21.
Variant type: Duplication.
Coding change: c.432dup on transcript NM_181486.4 (MANE Select); coding-DNA position 432, one base duplicated (C; older notation c.432dupC).
Protein change: p.Gly145fs; shifts the reading frame from glycine 145.
Molecular consequence: frameshift variant.
Genome position (GRCh38, 1-based): chr12:114,398,651, G duplicated on the plus strand (C on the coding strand, the reverse complement: TBX5 is on the minus strand); the first of 2 consecutive G bases (chr12:114,398,651-114,398,652); duplicating either gives the same sequence. VCF-style (leftmost placement, unchanged base first): chr12-114398650-C-CG. GRCh37 (hg19) VCF-style: chr12-114836455-C-CG.
Other names: c.432dupC (NM_000192.3); c.432dup, p.Gly145fs (NM_000192.3); c.282dup, p.Gly95fs (NM_080717.4); short protein forms G145fs, G95fs.
Identifiers: ClinVar variation 543961 (VCV000543961.6), dbSNP rs1555226322, ClinGen allele CA658797966.
Genomic context (GRCh38, chr12:114,398,650, plus strand): 5'-GGTGGTTGTTGGTGAGCTTGAGTTTCTGGAAGGAGACGAGCTGCCTCATCCAATGCGCCC[C>CG]GGTGGCGGGGGAGTCTGGGTGCACGTACAGGCGGCCAGGCATGGCGGGCTCAGCTTTGCC-3'